The following is an entry in ClinVar:

NM_000257.4(MYH7):c.1408-42del

Gene: MYH7 (myosin heavy chain 7; minus strand). Cytogenetic location: 14q11.2.
Variant type: Deletion.
Coding change: c.1408-42del on transcript NM_000257.4 (MANE Select); 42 bases into the intron before coding-DNA position 1408, one base deleted (C; older notation c.1408-42delC).
Molecular consequence: intron variant.
Genome position (GRCh38, 1-based): chr14:23,428,712, G deleted on the plus strand (C on the coding strand, the reverse complement: MYH7 is on the minus strand). VCF-style (leftmost placement, unchanged base first): chr14-23428711-TG-T. GRCh37 (hg19) VCF-style: chr14-23897920-TG-T.
Other names: c.1408-42del (LRG_384t1).
Identifiers: ClinVar variation 36635 (VCV000036635.9), dbSNP rs45490796, ClinGen allele CA010736.

ClinVar aggregate classification (germline): Benign/Likely benign. Review status: criteria provided, multiple submitters, no conflicts (2 of 4 stars). 5 submissions from 5 submitters: Benign (1); Likely benign (2). 2 of the submissions do not count toward it. Last evaluated 2018-07-07.

Allele frequency attached by ClinVar (database versions not stated): gnomAD exomes 0.00141 and 0.00315; ExAC 0.00395; 1000 Genomes Project 30x 0.01156; 1000 Genomes Project 0.01198; ESP Exome Variant Server 0.01254; gnomAD 0.01279 and 0.01363; TOPMed 0.01368.

Submissions (5):

GeneDx
Classification: Likely benign. Last evaluated: 2018-07-07. Review status: criteria provided, single submitter. Criteria: GeneDx Variant Classification Process June 2021. Collection method: clinical testing. Allele origin: germline. Affected: yes.

Women's Health and Genetics/Laboratory Corporation of America, LabCorp
Classification: Benign. Last evaluated: 2016-06-01. Review status: criteria provided, single submitter. Criteria: LabCorp Variant Classification Summary - May 2015. Collection method: clinical testing. Allele origin: germline.
Comment: Variant summary: The MYH7 c.1408-42delC variant involves the alteration of a non-conserved deep intronic nucleotide. One in silico tool (Mutation Taster) predicts a benign outcome for this variant. In addition, 5/5 splicing algorithms predict no significant change to normal splicing. This variant was found in 470/119028 control chromosomes (including 6 homozygotes), predominantly observed in the African subpopulation at a frequency of 0.041806 (425/10166). This frequency is about 42 times greater than the estimated maximal expected allele frequency of a pathogenic MYH7 variant (0.0010005), suggesting this is likely a benign polymorphism found primarily in the populations of African origin. In addition, one clinical diagnostic laboratory classified this variant as likely benign. Taken together, this variant is classified as benign.

PreventionGenetics, part of Exact Sciences
Classification: Likely benign. Review status: criteria provided, single submitter. Criteria: ACMG Guidelines, 2015. Collection method: clinical testing. Allele origin: germline.

Clinical Genetics DNA and cytogenetics Diagnostics Lab, Erasmus MC, Erasmus Medical Center
Classification: Benign. Review status: no assertion criteria provided. Collection method: clinical testing. Allele origin: germline. Affected: yes. Study: VKGL Data-share Consensus. Not counted in ClinVar's aggregate classification.

Joint Genome Diagnostic Labs from Nijmegen and Maastricht, Radboudumc and MUMC+
Classification: Benign. Review status: no assertion criteria provided. Collection method: clinical testing. Allele origin: germline. Affected: yes. Study: VKGL Data-share Consensus. Not counted in ClinVar's aggregate classification.